The following is an entry in ClinVar:

ClinVar aggregate classification (germline): Uncertain significance (1 of 4 stars; one submission).

Allele frequency attached by ClinVar (database versions not stated): TOPMed below 0.00001.

Submission:

Labcorp Genetics (formerly Invitae), Labcorp
Classification: Uncertain significance. Last evaluated: 2022-05-06. Review status: criteria provided, single submitter. Criteria: Invitae Variant Classification Sherloc (09022015). Collection method: clinical testing. Allele origin: germline.
Comment: This sequence change falls in intron 6 of the NDUFS2 gene. It does not directly change the encoded amino acid sequence of the NDUFS2 protein. It affects a nucleotide within the consensus splice site. This variant is not present in population databases (gnomAD no frequency). This variant has not been reported in the literature in individuals affected with NDUFS2-related conditions. Variants that disrupt the consensus splice site are a relatively common cause of aberrant splicing (PMID: 17576681, 9536098). Algorithms developed to predict the effect of sequence changes on RNA splicing suggest that this variant is not likely to affect RNA splicing. In summary, the available evidence is currently insufficient to determine the role of this variant in disease. Therefore, it has been classified as a Variant of Uncertain Significance.

Literature cited by the submitters: PubMed 17576681; PubMed 9536098.

NM_001377299.1(NDUFS2):c.627+4A>G

Gene: NDUFS2 (NADH:ubiquinone oxidoreductase core subunit S2; plus strand). Cytogenetic location: 1q23.3.
Variant type: single nucleotide variant.
Coding change: c.627+4A>G on transcript NM_001377299.1 (MANE Select); 4 bases into the intron after coding-DNA position 627, A replaced by G.
Molecular consequence: intron variant.
Genome position (GRCh38, 1-based): chr1:161,209,599, A>G. VCF-style: chr1-161209599-A-G. GRCh37 (hg19) VCF-style: chr1-161179389-A-G.
Other names: c.627+4A>G (NM_001377300.1, NM_001377298.1, NM_001377301.1 and 3 more transcripts).
Identifiers: ClinVar variation 2134809 (VCV002134809.4), dbSNP rs1665658946, ClinGen allele CA1202646643.